The following is an entry in ClinVar:

ClinVar aggregate classification (germline): Uncertain significance. Review status: criteria provided, multiple submitters, no conflicts (2 of 4 stars). 2 submissions from 2 submitters: Uncertain significance (2). Last evaluated 2024-06-26.

Conditions:
Evans syndrome, immunodeficiency, and premature immunosenescence associated with tripeptidyl-peptidase II deficiency. Identifiers: MedGen CN231723. Disease mechanism: loss of function.
Inborn genetic diseases. Identifiers: MedGen C0950123, MeSH D030342.

Allele frequency attached by ClinVar (database versions not stated): gnomAD exomes below 0.00001 and 0.00002; ExAC 0.00002; gnomAD 0.00003 and 0.00006; TOPMed 0.00005; ESP Exome Variant Server 0.00015.

Submissions (2):

Ambry Genetics
Classification: Uncertain significance for Inborn genetic diseases. Last evaluated: 2024-06-26. Review status: criteria provided, single submitter. Criteria: Ambry Variant Classification Scheme 2023. Collection method: clinical testing. Allele origin: germline.

Labcorp Genetics (formerly Invitae), Labcorp
Classification: Uncertain significance for Evans syndrome, immunodeficiency, and premature immunosenescence associated with tripeptidyl-peptidase II deficiency. Last evaluated: 2019-08-22. Review status: criteria provided, single submitter. Criteria: Invitae Variant Classification Sherloc (09022015). Collection method: clinical testing. Allele origin: germline.
Comment: This sequence change replaces proline with threonine at codon 806 of the TPP2 protein (p.Pro806Thr). The proline residue is highly conserved and there is a small physicochemical difference between proline and threonine. In summary, the available evidence is currently insufficient to determine the role of this variant in disease. Therefore, it has been classified as a Variant of Uncertain Significance. Algorithms developed to predict the effect of missense changes on protein structure and function do not agree on the potential impact of this missense change (SIFT: "Deleterious"; PolyPhen-2: "Possibly Damaging"; Align-GVGD: "Class C0"). This variant has not been reported in the literature in individuals with TPP2-related disease. This variant is present in population databases (rs138118936, ExAC 0.02%).

NM_001330588.2(TPP2):c.2416C>A (p.Pro806Thr)

Gene: TPP2 (tripeptidyl peptidase 2; plus strand). Cytogenetic location: 13q33.1.
Variant type: single nucleotide variant.
Coding change: c.2416C>A on transcript NM_001330588.2 (MANE Select); coding-DNA position 2416, C replaced by A.
Protein change: p.Pro806Thr; replaces proline 806 with threonine.
Molecular consequence: missense variant. On other transcripts: non-coding transcript variant (1).
Genome position (GRCh38, 1-based): chr13:102,646,316, C>A. VCF-style: chr13-102646316-C-A. GRCh37 (hg19) VCF-style: chr13-103298666-C-A.
Other names: c.2416C>A, p.Pro806Thr (LRG_1341t1, NM_001367947.1, NM_003291.4); short protein forms P806T.
Identifiers: ClinVar variation 544310 (VCV000544310.9), dbSNP rs138118936, ClinGen allele CA7038015.